The following is an entry in ClinVar:

ClinVar aggregate classification (germline): Benign/Likely benign. Review status: criteria provided, multiple submitters, no conflicts (2 of 4 stars). 8 submissions from 8 submitters: Benign (4); Likely benign (2). 2 of the submissions do not count toward it. Last evaluated 2026-01-09.

Conditions:
Rolandic epilepsy, impaired intellectual development, and speech dyspraxia, X-linked. Also called: Rolandic epilepsy, intellectual disability, and speech dyspraxia, X-linked; Rolandic epilepsy, impaired intellectual development, and speech dyspraxia. Identifiers: MedGen C1845070, MONDO:0010388, OMIM 300643.

Allele frequency attached by ClinVar (database versions not stated): 1000 Genomes Project 30x 0.00104; ExAC 0.00131; gnomAD exomes 0.00183 and 0.00102; ESP Exome Variant Server 0.00095; gnomAD 0.00099 and 0.00101; 1000 Genomes Project 0.00079; TOPMed 0.00088.
gnomAD v4.1: 2,100 of 1,209,407 alleles (0.17%); highest among the groups gnomAD compares: Non-Finnish European, 0.22%; 3 homozygotes.

Submissions (8):

Labcorp Genetics (formerly Invitae), Labcorp
Classification: Benign for Rolandic epilepsy, impaired intellectual development, and speech dyspraxia, X-linked. Last evaluated: 2026-01-09. Review status: criteria provided, single submitter. Criteria: Invitae Variant Classification Sherloc (09022015). Collection method: clinical testing. Allele origin: germline.

Blueprint Genetics
Classification: Likely benign. Last evaluated: 2024-11-06. Review status: criteria provided, single submitter. Criteria: ACMG Guidelines, 2015. Collection method: clinical testing. Allele origin: germline.

Genetic Services Laboratory, University of Chicago
Classification: Benign. Last evaluated: 2018-06-04. Review status: criteria provided, single submitter. Criteria: ACMG Guidelines, 2015. Collection method: clinical testing. Allele origin: germline. Affected: no.

Eurofins Ntd Llc (ga)
Classification: Benign. Last evaluated: 2016-01-29. Review status: criteria provided, single submitter. Criteria: EGL Classification Definitions 2015. Collection method: clinical testing. Allele origin: germline. Observed: 1 variant allele, 1 homozygote.

Ambry Genetics
Classification: Likely benign. Last evaluated: 2015-06-22. Review status: criteria provided, single submitter. Criteria: Ambry Variant Classification Scheme 2023. Collection method: clinical testing. Allele origin: germline.

GeneDx
Classification: Benign. Last evaluated: 2014-08-28. Review status: criteria provided, single submitter. Criteria: GeneDx Variant Classification (06012015). Collection method: clinical testing. Allele origin: germline. Affected: yes.
Comment: This variant is considered likely benign or benign based on one or more of the following criteria: it is a conservative change, it occurs at a poorly conserved position in the protein, it is predicted to be benign by multiple in silico algorithms, and/or has population frequency not consistent with disease.

Clinical Genetics DNA and cytogenetics Diagnostics Lab, Erasmus MC, Erasmus Medical Center
Classification: Likely benign. Review status: no assertion criteria provided. Collection method: clinical testing. Allele origin: germline. Affected: yes. Study: VKGL Data-share Consensus. Not counted in ClinVar's aggregate classification.

Genome Diagnostics Laboratory, University Medical Center Utrecht
Classification: Likely benign. Review status: no assertion criteria provided. Collection method: clinical testing. Allele origin: germline. Affected: yes. Study: VKGL Data-share Consensus. Not counted in ClinVar's aggregate classification.

NM_014467.3(SRPX2):c.481C>A (p.Arg161=)

Gene: SRPX2 (sushi repeat containing protein X-linked 2; plus strand). Cytogenetic location: Xq22.1.
Variant type: single nucleotide variant.
Coding change: c.481C>A on transcript NM_014467.3 (MANE Select); coding-DNA position 481, C replaced by A.
Protein change: p.Arg161=; no amino-acid change (arginine 161 retained).
Molecular consequence: synonymous variant.
Genome position (GRCh38, 1-based): chrX:100,664,899, C>A. VCF-style: chrX-100664899-C-A. GRCh37 (hg19) VCF-style: chrX-99919896-C-A.
Other names: p.R161R:CGA>AGA.
Identifiers: ClinVar variation 207371 (VCV000207371.25), dbSNP rs150552508, ClinGen allele CA318771.